The following is an entry in ClinVar:

NM_000222.3(KIT):c.1364T>G (p.Leu455Arg)

Gene: KIT (KIT proto-oncogene, receptor tyrosine kinase; plus strand). Cytogenetic location: 4q12.
Variant type: single nucleotide variant.
Coding change: c.1364T>G on transcript NM_000222.3 (MANE Select); coding-DNA position 1364, T replaced by G.
Protein change: p.Leu455Arg; replaces leucine 455 with arginine.
Molecular consequence: missense variant.
Genome position (GRCh38, 1-based): chr4:54,725,874, T>G. VCF-style: chr4-54725874-T-G. GRCh37 (hg19) VCF-style: chr4-55592040-T-G.
Other names: c.1367T>G, p.Leu456Arg (NM_001385290.1, NM_001385292.1, NM_001385284.1 and 1 more transcripts); c.1364T>G, p.Leu455Arg (NM_001093772.2, NM_001385285.1, NM_001385286.1); short protein forms L455R, L456R.
Identifiers: ClinVar variation 1446028 (VCV001446028.8), dbSNP rs2109768115, ClinGen allele CA356906243.

ClinVar aggregate classification (germline): Uncertain significance (1 of 4 stars; one submission).

Conditions:
Gastrointestinal stromal tumor. Also called: Gastrointestinal stroma tumor; Gastrointestinal stromal tumor, somatic. Identifiers: Orphanet 44890, MedGen C0238198, MeSH D046152, MONDO:0011719, OMIM 606764, HP:0100723.

Submission:

Labcorp Genetics (formerly Invitae), Labcorp
Classification: Uncertain significance for Gastrointestinal stromal tumor. Last evaluated: 2022-07-19. Review status: criteria provided, single submitter. Criteria: Invitae Variant Classification Sherloc (09022015). Collection method: clinical testing. Allele origin: germline.
Comment: This variant has not been reported in the literature in individuals affected with KIT-related conditions. In summary, the available evidence is currently insufficient to determine the role of this variant in disease. Therefore, it has been classified as a Variant of Uncertain Significance. Algorithms developed to predict the effect of missense changes on protein structure and function (SIFT, PolyPhen-2, Align-GVGD) all suggest that this variant is likely to be tolerated. ClinVar contains an entry for this variant (Variation ID: 1446028). This variant is not present in population databases (gnomAD no frequency). This sequence change replaces leucine, which is neutral and non-polar, with arginine, which is basic and polar, at codon 455 of the KIT protein (p.Leu455Arg).